The following is an entry in ClinVar:

NM_000038.6(APC):c.356C>A (p.Pro119Gln)

Gene: APC (APC regulator of Wnt signaling pathway; plus strand). Cytogenetic location: 5q22.2.
Variant type: single nucleotide variant.
Coding change: c.356C>A on transcript NM_000038.6 (MANE Select); coding-DNA position 356, C replaced by A.
Protein change: p.Pro119Gln; replaces proline 119 with glutamine.
Molecular consequence: missense variant. On other transcripts: 5 prime UTR variant (4), non-coding transcript variant (2).
Genome position (GRCh38, 1-based): chr5:112,767,324, C>A. VCF-style: chr5-112767324-C-A. GRCh37 (hg19) VCF-style: chr5-112103021-C-A.
Other names: c.356C>A, p.Pro119Gln (NM_001127510.3, NM_001354895.2, NM_001354896.2 and 16 more transcripts); c.386C>A, p.Pro129Gln (NM_001127511.3, NM_001354897.2, NM_001354902.2 and 1 more transcripts); c.281C>A, p.Pro94Gln (NM_001354898.2, NM_001354904.2, NM_001407451.1); c.179C>A, p.Pro60Gln (NM_001354900.2, NM_001354901.2, NM_001354905.2 and 1 more transcripts); c.-680C>A (NM_001354906.2, NM_001407470.1, NM_001407471.1 and 1 more transcripts); short protein forms P119Q, P129Q, P60Q, P94Q.
Identifiers: ClinVar variation 4801435 (VCV004801435.1).

ClinVar aggregate classification (germline): Uncertain significance (1 of 4 stars; one submission).

Conditions:
Familial adenomatous polyposis 1 (FAP1). Also called: FAMILIAL ADENOMATOUS POLYPOSIS 1, ATTENUATED; POLYPOSIS, ADENOMATOUS INTESTINAL. Identifiers: MedGen C2713442, MONDO:0021056, OMIM 175100. Disease mechanism: loss of function.

Submission:

Labcorp Genetics (formerly Invitae), Labcorp
Classification: Uncertain significance for Familial adenomatous polyposis 1. Last evaluated: 2025-09-15. Review status: criteria provided, single submitter. Criteria: Invitae Variant Classification Sherloc (09022015). Collection method: clinical testing. Allele origin: germline.
Comment: This sequence change replaces proline, which is neutral and non-polar, with glutamine, which is neutral and polar, at codon 119 of the APC protein (p.Pro119Gln). This variant is not present in population databases (gnomAD no frequency). This variant has not been reported in the literature in individuals affected with APC-related conditions. Invitae Evidence Modeling of protein sequence and biophysical properties (such as structural, functional, and spatial information, amino acid conservation, physicochemical variation, residue mobility, and thermodynamic stability) indicates that this missense variant is not expected to disrupt APC protein function with a negative predictive value of 95%. In summary, the available evidence is currently insufficient to determine the role of this variant in disease. Therefore, it has been classified as a Variant of Uncertain Significance.